The following is an entry in ClinVar:

NM_001080512.3(BICC1):c.41C>T (p.Ser14Leu)

Gene: BICC1 (BicC family RNA binding protein 1; plus strand). Cytogenetic location: 10q21.1.
Variant type: single nucleotide variant.
Coding change: c.41C>T on transcript NM_001080512.3 (MANE Select); coding-DNA position 41, C replaced by T.
Protein change: p.Ser14Leu; replaces serine 14 with leucine.
Molecular consequence: missense variant.
Genome position (GRCh38, 1-based): chr10:58,513,184, C>T. VCF-style: chr10-58513184-C-T. GRCh37 (hg19) VCF-style: chr10-60272944-C-T.
Other names: short protein forms S14L.
Identifiers: ClinVar variation 1383883 (VCV001383883.7), dbSNP rs769280220, ClinGen allele CA5508113.

ClinVar aggregate classification (germline): Uncertain significance. Review status: criteria provided, multiple submitters, no conflicts (2 of 4 stars). 2 submissions from 2 submitters: Uncertain significance (2). Last evaluated 2022-05-31.

Conditions:
Renal dysplasia, cystic, susceptibility to. Identifiers: MedGen C3275898, MONDO:0011037, OMIM 601331.

Allele frequency attached by ClinVar (database versions not stated): gnomAD exomes below 0.00001; gnomAD 0.00001; TOPMed 0.00001; ExAC 0.00003; 1000 Genomes Project 30x 0.00016.
gnomAD v4.1: 5 of 1,584,872 alleles (0.00032%); highest among the groups gnomAD compares: East Asian, 0.0096%; no homozygotes.

Submissions (2):

Fulgent Genetics
Classification: Uncertain significance for Renal dysplasia, cystic, susceptibility to. Last evaluated: 2022-05-31. Review status: criteria provided, single submitter. Criteria: ACMG Guidelines, 2015. Collection method: clinical testing. Allele origin: unknown.

Labcorp Genetics (formerly Invitae), Labcorp
Classification: Uncertain significance. Last evaluated: 2021-07-29. Review status: criteria provided, single submitter. Criteria: Invitae Variant Classification Sherloc (09022015). Collection method: clinical testing. Allele origin: germline.
Comment: In summary, the available evidence is currently insufficient to determine the role of this variant in disease. Therefore, it has been classified as a Variant of Uncertain Significance. Algorithms developed to predict the effect of missense changes on protein structure and function are either unavailable or do not agree on the potential impact of this missense change (SIFT: "Deleterious"; PolyPhen-2: "Probably Damaging"; Align-GVGD: "Class C0"). This variant has not been reported in the literature in individuals affected with BICC1-related conditions. This variant is present in population databases (rs769280220, ExAC 0.01%). This sequence change replaces serine with leucine at codon 14 of the BICC1 protein (p.Ser14Leu). The serine residue is weakly conserved and there is a large physicochemical difference between serine and leucine.